The following is an entry in ClinVar:

ClinVar aggregate classification (germline): Uncertain significance (1 of 4 stars; one submission).

Conditions:
Ehlers-Danlos syndrome, classic type, 1 (EDSCL1). Also called: EHLERS-DANLOS SYNDROME, GRAVIS TYPE; EHLERS-DANLOS SYNDROME, SEVERE CLASSIC TYPE; Ehlers-Danlos syndrome, type 1; Ehlers-Danlos Syndrome, Classic Type, COL5A1-Related; EDS I. Identifiers: MedGen C0268335, MONDO:0019567, OMIM 130000.

Submission:

MVZ Martinsried, Medicover Genetics
Classification: Uncertain significance for Ehlers-Danlos syndrome, classic type, 1. Last evaluated: 2025-11-18. Review status: criteria provided, single submitter. Criteria: ClinGen Variant Curation SOP V3.2 + Classification Guidance July2025. Collection method: clinical testing. Allele origin: unknown. Affected: yes. Observed: 1 heterozygote.
Comment: PVS1_Moderate, PP4, PM2_Supporting

NM_000093.5(COL5A1):c.1333-2A>G

Gene: COL5A1 (collagen type V alpha 1 chain; plus strand). Cytogenetic location: 9q34.3.
Variant type: single nucleotide variant.
Coding change: c.1333-2A>G on transcript NM_000093.5 (MANE Select); the canonical splice acceptor site of the intron before coding-DNA position 1333, A replaced by G.
Molecular consequence: splice acceptor variant.
Genome position (GRCh38, 1-based): chr9:134,732,069, A>G. VCF-style: chr9-134732069-A-G. GRCh37 (hg19) VCF-style: chr9-137623915-A-G.
Other names: c.1333-2A>G (NM_001278074.1).
Identifiers: ClinVar variation 4795156 (VCV004795156.1).